The following is an entry in ClinVar:

ClinVar aggregate classification (germline): Conflicting classifications of pathogenicity. Review status: criteria provided, conflicting classifications (1 of 4 stars). 7 submissions from 7 submitters: Uncertain significance (4); Likely benign (2). 1 of the submissions does not count toward it. Last evaluated 2026-04-01.

Conditions:
COL6A2-related disorder.
Bethlem myopathy 1A. Also called: Bethlem myopathy 1; Bethlem Muscular Dystrophy; MYOPATHY, BENIGN CONGENITAL, WITH CONTRACTURES. Identifiers: Orphanet 610, MedGen CN029274, MONDO:0024530, OMIM 158810.

Allele frequency attached by ClinVar (database versions not stated): ESP Exome Variant Server 0.00015; gnomAD 0.00016; TOPMed 0.00030; gnomAD exomes 0.00036; ExAC 0.00042.
gnomAD v4.1: 200 of 1,612,378 alleles (0.012%); highest among the groups gnomAD compares: Admixed American, 0.15%; no homozygotes.

Submissions (7):

CeGaT Center for Human Genetics Tuebingen
Classification: Uncertain significance. Last evaluated: 2026-04-01. Review status: criteria provided, single submitter. Criteria: CeGaT Center For Human Genetics Tuebingen Variant Classification Criteria Version 2. Collection method: clinical testing. Allele origin: germline. Affected: yes. Observed: 1 variant allele.

Labcorp Genetics (formerly Invitae), Labcorp
Classification: Likely benign for Bethlem myopathy 1A. Last evaluated: 2026-01-01. Review status: criteria provided, single submitter. Criteria: Invitae Variant Classification Sherloc (09022015). Collection method: clinical testing. Allele origin: germline.

Mayo Clinic Laboratories, Mayo Clinic
Classification: Uncertain significance. Last evaluated: 2025-03-19. Review status: criteria provided, single submitter. Criteria: ACMG Guidelines, 2015. Collection method: clinical testing. Allele origin: germline. Observed: 1 variant allele.
Comment: BS1, PP3

GeneDx
Classification: Uncertain significance. Last evaluated: 2024-02-23. Review status: criteria provided, single submitter. Criteria: GeneDx Variant Classification Process June 2021. Collection method: clinical testing. Allele origin: germline. Affected: yes.
Comment: Observed in an individual with Emery-Dreifuss muscular dystrophy in the published literature; a second COL6A2 variant was not reported (PMID: 20576434); In silico analysis supports that this missense variant has a deleterious effect on protein structure/function; This variant is associated with the following publications: (PMID: 23040494, 30564623, 29950560, 20576434)

Revvity Omics, Revvity
Classification: Uncertain significance. Last evaluated: 2023-04-25. Review status: criteria provided, single submitter. Criteria: ACMG Guidelines, 2015. Collection method: clinical testing. Allele origin: germline.

Eurofins Ntd Llc (ga)
Classification: Likely benign. Last evaluated: 2016-06-20. Review status: criteria provided, single submitter. Criteria: EGL Classification Definitions 2015. Collection method: clinical testing. Allele origin: germline. Observed: 2 variant alleles, 2 heterozygotes.

PreventionGenetics, part of Exact Sciences
Classification: Likely benign for COL6A2-related condition. Last evaluated: 2022-10-31. Review status: no assertion criteria provided. Collection method: clinical testing. Allele origin: germline. Not counted in ClinVar's aggregate classification.
Comment: This variant is classified as likely benign based on ACMG/AMP sequence variant interpretation guidelines (Richards et al. 2015 PMID: 25741868, with internal and published modifications).

NM_001849.4(COL6A2):c.1129C>T (p.Arg377Cys)

Gene: COL6A2 (collagen type VI alpha 2 chain; plus strand). Cytogenetic location: 21q22.3.
Variant type: single nucleotide variant.
Coding change: c.1129C>T on transcript NM_001849.4 (MANE Select); coding-DNA position 1129, C replaced by T.
Protein change: p.Arg377Cys; replaces arginine 377 with cysteine.
Molecular consequence: missense variant.
Genome position (GRCh38, 1-based): chr21:46,118,626, C>T. VCF-style: chr21-46118626-C-T. GRCh37 (hg19) VCF-style: chr21-47538540-C-T.
Other names: c.1129C>T, p.Arg377Cys (NM_058174.3, NM_058175.3); short protein forms R377C.
Identifiers: ClinVar variation 285233 (VCV000285233.23), dbSNP rs144801620, ClinGen allele CA10071715.